The following is an entry in ClinVar:

NM_004700.4(KCNQ4):c.1498C>G (p.Arg500Gly)

Gene: KCNQ4 (potassium voltage-gated channel subfamily Q member 4; plus strand). Cytogenetic location: 1p34.2.
Variant type: single nucleotide variant.
Coding change: c.1498C>G on transcript NM_004700.4 (MANE Select); coding-DNA position 1498, C replaced by G.
Protein change: p.Arg500Gly; replaces arginine 500 with glycine.
Molecular consequence: missense variant.
Genome position (GRCh38, 1-based): chr1:40,831,289, C>G. VCF-style: chr1-40831289-C-G. GRCh37 (hg19) VCF-style: chr1-41296961-C-G.
Other names: c.1336C>G, p.Arg446Gly (NM_172163.3); short protein forms R446G, R500G.
Identifiers: ClinVar variation 2500686 (VCV002500686.4), dbSNP rs776756980, ClinGen allele CA794894.

ClinVar aggregate classification (germline): Uncertain significance. Review status: criteria provided, multiple submitters, no conflicts (2 of 4 stars). 2 submissions from 2 submitters: Uncertain significance (2). Last evaluated 2023-05-31.

gnomAD v4.1: 49 of 1,600,266 alleles (0.0031%); highest among the groups gnomAD compares: Non-Finnish European, 0.004%; no homozygotes.

Submissions (2):

Labcorp Genetics (formerly Invitae), Labcorp
Classification: Uncertain significance. Last evaluated: 2023-05-31. Review status: criteria provided, single submitter. Criteria: Invitae Variant Classification Sherloc (09022015). Collection method: clinical testing. Allele origin: germline.
Comment: This variant has not been reported in the literature in individuals affected with KCNQ4-related conditions. This variant is present in population databases (rs776756980, gnomAD 0.005%). This sequence change replaces arginine, which is basic and polar, with glycine, which is neutral and non-polar, at codon 500 of the KCNQ4 protein (p.Arg500Gly). ClinVar contains an entry for this variant (Variation ID: 2500686). In summary, the available evidence is currently insufficient to determine the role of this variant in disease. Therefore, it has been classified as a Variant of Uncertain Significance. Advanced modeling of protein sequence and biophysical properties (such as structural, functional, and spatial information, amino acid conservation, physicochemical variation, residue mobility, and thermodynamic stability) has been performed at Invitae for this missense variant, however the output from this modeling did not meet the statistical confidence thresholds required to predict the impact of this variant on KCNQ4 protein function.

GeneDx
Classification: Uncertain significance. Last evaluated: 2023-04-26. Review status: criteria provided, single submitter. Criteria: GeneDx Variant Classification Process June 2021. Collection method: clinical testing. Allele origin: germline. Affected: yes.
Comment: In silico analysis supports that this missense variant has a deleterious effect on protein structure/function; Has not been previously published as pathogenic or benign to our knowledge